The following is an entry in ClinVar:

ClinVar aggregate classification (germline): Likely pathogenic. Review status: reviewed by expert panel (3 of 4 stars). 2 submissions from 2 submitters: Likely pathogenic (1). 1 of the submissions does not count toward it. Last evaluated 2026-01-12.

Conditions:
Glaucoma 1, open angle, A (GLC1A). Also called: Glaucoma, Dominant (Juvenile Onset). Identifiers: Orphanet 98977, MedGen C1842028, MONDO:0007664, OMIM 137750.
Open-angle glaucoma. Identifiers: MedGen C0017612, MONDO:0005338, HP:0012108.

Submissions (2):

ClinGen Glaucoma Variant Curation Expert Panel
Classification: Likely pathogenic for Open-angle glaucoma. Last evaluated: 2026-01-12. Review status: reviewed by expert panel. Criteria: ClinGen Glaucoma ACMG Specifications V2.0.0 Approved. Collection method: curation. Allele origin: germline. Inheritance: Autosomal dominant inheritance.
Comment: The c.1495A>T variant in MYOC is a missense variant predicted to cause substitution of Isoleucine by Phenylalanine at amino acid 499 (p.Ile499Phe). This variant was not found in any genetic ancestry group of gnomAD (v4.1.0), meeting the ≤ 0.0001 threshold set for PM2_Supporting in a genetic ancestry group of at least 10,000 alleles. The REVEL score = 0.67, which was within the 0.644-0.772 range for PP3, predicting a damaging effect on MYOC function. The Ile499Phe protein had increased instability and reduced secretion levels compared to wild type myocilin protein in these studies (PMIDs: 16466712, 21612213, 23129764). The assays met the OddsPath threshold for PS3_Moderate (> 4.3), indicating that this variant did impact protein function. This protein has also been assessed in these other studies (PMIDs: 24333014, 10545602, 16297911), however, the same level of evidence was not met. 6 segregations in 1 family, with juvenile or primary open angle glaucoma (JOAG or POAG), have been reported (PMID: 9328473), which fulfilled PP1_Moderate (5-6 meioses). 2 probands with JOAG or POAG have been reported carrying this variant (PMIDs: 12872267, 9328473), which met PS4_Supporting (≥ 2 probands). In summary, this variant met the criteria to receive a score of 7 and to be classified as likely pathogenic (likely pathogenic classification range 6 to 9, adapted from PMID: 32720330) for juvenile open angle glaucoma based on the ACMG/AMP criteria met, as specified by the ClinGen Glaucoma VCEP (v2.0.0, 5 Dec 2024): PS3_Moderate, PP1_Moderate, PP3, PS4_Supporting, PM2_Supporting

Medical and Scientific Branch, Hong Kong Genome Institute
Classification: Likely pathogenic for Glaucoma 1, open angle, A. Last evaluated: 2026-01-26. Review status: criteria provided, single submitter. Criteria: ACMG Guidelines, 2015. Collection method: clinical testing. Allele origin: unknown. Affected: yes. Not counted in ClinVar's aggregate classification.

Literature cited by the submitters: PubMed 21612213 (cited by ClinGen Glaucoma Variant Curation Expert Panel); PubMed 24333014 (cited by ClinGen Glaucoma Variant Curation Expert Panel); PubMed 23129764 (cited by ClinGen Glaucoma Variant Curation Expert Panel); PubMed 25524706 (cited by ClinGen Glaucoma Variant Curation Expert Panel).

NM_000261.2(MYOC):c.1495A>T (p.Ile499Phe)

Gene: MYOC (myocilin; minus strand). Cytogenetic location: 1q24.3.
Variant type: single nucleotide variant.
Coding change: c.1495A>T on transcript NM_000261.2 (MANE Select); coding-DNA position 1495, A replaced by T.
Protein change: p.Ile499Phe; replaces isoleucine 499 with phenylalanine.
Molecular consequence: missense variant.
Genome position (GRCh38, 1-based): chr1:171,635,945, T>A on the plus strand (A>T on the coding strand, the complement: MYOC is on the minus strand). VCF-style: chr1-171635945-T-A. GRCh37 (hg19) VCF-style: chr1-171605085-T-A.
Other names: NM_000261.2:c.1495A>T; short protein forms I499F.
Identifiers: ClinVar variation 1686792 (VCV001686792.4), dbSNP rs2102944440, ClinGen allele CA343722844.